The following is an entry in ClinVar:

ClinVar aggregate classification (germline): Uncertain significance. Review status: criteria provided, multiple submitters, no conflicts (2 of 4 stars). 2 submissions from 2 submitters: Uncertain significance (2). Last evaluated 2025-07-09.

Conditions:
MHC class I deficiency. Identifiers: Orphanet 34592, MedGen C6024714, MONDO:0011476.

Allele frequency attached by ClinVar (database versions not stated): ESP Exome Variant Server 0.00008; TOPMed 0.00013; gnomAD exomes 0.00002 and 0.00001; gnomAD 0.00012 and 0.00014; ExAC 0.00003.
gnomAD v4.1: 31 of 1,603,180 alleles (0.0019%); highest among the groups gnomAD compares: African/African-American, 0.039%; no homozygotes.

Submissions (2):

Labcorp Genetics (formerly Invitae), Labcorp
Classification: Uncertain significance for MHC class I deficiency 1. Last evaluated: 2025-07-09. Review status: criteria provided, single submitter. Criteria: Invitae Variant Classification Sherloc (09022015). Collection method: clinical testing. Allele origin: germline.
Comment: This sequence change replaces threonine, which is neutral and polar, with asparagine, which is neutral and polar, at codon 399 of the TAPBP protein (p.Thr399Asn). This variant is present in population databases (rs372354865, gnomAD 0.04%). This variant has not been reported in the literature in individuals affected with TAPBP-related conditions. ClinVar contains an entry for this variant (Variation ID: 851044). An algorithm developed to predict the effect of missense changes on protein structure and function (PolyPhen-2) suggests that this variant is likely to be disruptive. In summary, the available evidence is currently insufficient to determine the role of this variant in disease. Therefore, it has been classified as a Variant of Uncertain Significance.

Ambry Genetics
Classification: Uncertain significance. Last evaluated: 2021-07-06. Review status: criteria provided, single submitter. Criteria: Ambry Variant Classification Scheme 2023. Collection method: clinical testing. Allele origin: germline.

NM_003190.5(TAPBP):c.1196C>A (p.Thr399Asn)

Gene: TAPBP (TAP binding protein; minus strand). Cytogenetic location: 6p21.32.
Variant type: single nucleotide variant.
Coding change: c.1196C>A on transcript NM_003190.5 (MANE Select); coding-DNA position 1196, C replaced by A.
Protein change: p.Thr399Asn; replaces threonine 399 with asparagine.
Molecular consequence: missense variant.
Genome position (GRCh38, 1-based): chr6:33,304,311, G>T on the plus strand (C>A on the coding strand, the complement: TAPBP is on the minus strand). VCF-style: chr6-33304311-G-T. GRCh37 (hg19) VCF-style: chr6-33272088-G-T.
Other names: c.1196C>A, p.Thr399Asn (NM_172208.3); c.935C>A, p.Thr312Asn (NM_172209.3); short protein forms T312N, T399N.
Identifiers: ClinVar variation 851044 (VCV000851044.10), dbSNP rs372354865, ClinGen allele CA3755701.